The following is an entry in ClinVar:

NM_006859.4(LIAS):c.218G>C (p.Arg73Thr)

Gene: LIAS (lipoic acid synthetase; plus strand). Cytogenetic location: 4p14.
Variant type: single nucleotide variant.
Coding change: c.218G>C on transcript NM_006859.4 (MANE Select); coding-DNA position 218, G replaced by C.
Protein change: p.Arg73Thr; replaces arginine 73 with threonine.
Molecular consequence: missense variant.
Genome position (GRCh38, 1-based): chr4:39,460,962, G>C. VCF-style: chr4-39460962-G-C. GRCh37 (hg19) VCF-style: chr4-39462582-G-C.
Other names: c.218G>C, p.Arg73Thr (NM_001278590.2, NM_001278591.2, NM_001278592.2 and 2 more transcripts); c.218G>C (NM_006859.2); short protein forms R73T.
Identifiers: ClinVar variation 472878 (VCV000472878.8), dbSNP rs1172950083, ClinGen allele CA356663914.

ClinVar aggregate classification (germline): Uncertain significance. Review status: criteria provided, multiple submitters, no conflicts (2 of 4 stars). 2 submissions from 2 submitters: Uncertain significance (2). Last evaluated 2026-02-26.

Conditions:
Lipoic acid synthetase deficiency. Also called: HYPERGLYCINEMIA, LACTIC ACIDOSIS, AND SEIZURES. Identifiers: Orphanet 401859, MedGen C3280887, MONDO:0013762, OMIM 614462.

Allele frequency attached by ClinVar (database versions not stated): gnomAD exomes below 0.00001; TOPMed below 0.00001; gnomAD 0.00001.
gnomAD v4.1: 3 of 1,581,418 alleles (0.00019%); highest among the groups gnomAD compares: Non-Finnish European, 0.00026%; no homozygotes.

Submissions (2):

GeneDx
Classification: Uncertain significance. Last evaluated: 2026-02-26. Review status: criteria provided, single submitter. Criteria: GeneDx Variant Classification Process June 2021. Collection method: clinical testing. Allele origin: germline.
Comment: Not observed at significant frequency in large population cohorts (gnomAD); In silico analysis supports that this missense variant has a deleterious effect on protein structure/function; Has not been previously published as pathogenic or benign to our knowledge

Labcorp Genetics (formerly Invitae), Labcorp
Classification: Uncertain significance for Lipoic acid synthetase deficiency. Last evaluated: 2024-10-24. Review status: criteria provided, single submitter. Criteria: Invitae Variant Classification Sherloc (09022015). Collection method: clinical testing. Allele origin: germline.
Comment: This sequence change replaces arginine, which is basic and polar, with threonine, which is neutral and polar, at codon 73 of the LIAS protein (p.Arg73Thr). This variant also falls at the last nucleotide of exon 2, which is part of the consensus splice site for this exon. This variant is present in population databases (no rsID available, gnomAD 0.007%). This variant has not been reported in the literature in individuals affected with LIAS-related conditions. ClinVar contains an entry for this variant (Variation ID: 472878). An algorithm developed to predict the effect of missense changes on protein structure and function (PolyPhen-2) suggests that this variant¬†is likely to be tolerated. Variants that disrupt the consensus splice site are a relatively common cause of aberrant splicing (PMID: 17576681, 9536098). Algorithms developed to predict the effect of sequence changes on RNA splicing suggest that this variant may disrupt the consensus splice site. In summary, the available evidence is currently insufficient to determine the role of this variant in disease. Therefore, it has been classified as a Variant of Uncertain Significance.

Literature cited by the submitters: PubMed 17576681 (cited by Labcorp Genetics (formerly Invitae), Labcorp); PubMed 9536098 (cited by Labcorp Genetics (formerly Invitae), Labcorp).